The following is an entry in ClinVar:

ClinVar aggregate classification (germline): Uncertain significance (1 of 4 stars; one submission).

Conditions:
Gorlin syndrome. Also called: Nevoid Basal Cell Carcinoma Syndrome; Basal cell nevus syndrome. Identifiers: Orphanet 377, MedGen C0004779, MONDO:0007187.

Submission:

Labcorp Genetics (formerly Invitae), Labcorp
Classification: Uncertain significance for Gorlin syndrome. Last evaluated: 2020-02-04. Review status: criteria provided, single submitter. Criteria: Invitae Variant Classification Sherloc (09022015). Collection method: clinical testing. Allele origin: germline.
Comment: In summary, the available evidence is currently insufficient to determine the role of this variant in disease. Therefore, it has been classified as a Variant of Uncertain Significance. Algorithms developed to predict the effect of missense changes on protein structure and function are either unavailable or do not agree on the potential impact of this missense change (SIFT: "Deleterious"; PolyPhen-2: "Possibly Damaging"; Align-GVGD: "Class C0"). This variant has not been reported in the literature in individuals with PTCH1-related conditions. This variant is not present in population databases (ExAC no frequency). This sequence change replaces valine with alanine at codon 1042 of the PTCH1 protein (p.Val1042Ala). The valine residue is moderately conserved and there is a small physicochemical difference between valine and alanine.

NM_000264.5(PTCH1):c.3125T>C (p.Val1042Ala)

Gene: PTCH1 (patched 1; minus strand). Cytogenetic location: 9q22.32.
Variant type: single nucleotide variant.
Coding change: c.3125T>C on transcript NM_000264.5 (MANE Select); coding-DNA position 3125, T replaced by C.
Protein change: p.Val1042Ala; replaces valine 1042 with alanine.
Molecular consequence: missense variant. On other transcripts: non-coding transcript variant (1).
Genome position (GRCh38, 1-based): chr9:95,458,056, A>G on the plus strand (T>C on the coding strand, the complement: PTCH1 is on the minus strand). VCF-style: chr9-95458056-A-G. GRCh37 (hg19) VCF-style: chr9-98220338-A-G.
Other names: c.2927T>C, p.Val976Ala (NM_001083602.3); c.3122T>C, p.Val1041Ala (NM_001083603.3); c.2672T>C, p.Val891Ala (NM_001083604.3, NM_001083605.3, NM_001083606.3 and 1 more transcripts); c.2969T>C, p.Val990Ala (NM_001354918.2); short protein forms V1041A, V1042A, V891A, V976A, V990A.
Identifiers: ClinVar variation 1001159 (VCV001001159.12), dbSNP rs1839101189, ClinGen allele CA374112336.